The following is an entry in ClinVar:

NM_000117.3(EMD):c.82+4C>A

Gene: EMD (emerin; plus strand). Cytogenetic location: Xq28.
Variant type: single nucleotide variant.
Coding change: c.82+4C>A on transcript NM_000117.3 (MANE Select); 4 bases into the intron after coding-DNA position 82, C replaced by A.
Molecular consequence: intron variant.
Genome position (GRCh38, 1-based): chrX:154,379,570, C>A. VCF-style: chrX-154379570-C-A. GRCh37 (hg19) VCF-style: chrX-153607930-C-A.
Identifiers: ClinVar variation 283289 (VCV000283289.8), dbSNP rs376569563, ClinGen allele CA10604451.
Genomic context (GRCh38, chrX:154,379,570, plus strand): 5'-ATACCGAGCTGACCACCTTGCTGCGCCGGTACAACATCCCGCACGGGCCTGTAGTAGGTA[C>A]GCGGCGGCGGGCGGGACCCCTTCCGGGCCCCCTCCTCGTGCTCCGCCTCGCGACCTCCCC-3'

ClinVar aggregate classification (germline): Uncertain significance. Review status: criteria provided, multiple submitters, no conflicts (2 of 4 stars). 2 submissions from 2 submitters: Uncertain significance (2). Last evaluated 2023-10-28.

Conditions:
X-linked Emery-Dreifuss muscular dystrophy. Also called: Muscular dystrophy, tardive Emery-Dreifuss type, with contractures. Identifiers: Orphanet 261, Orphanet 98863, MedGen C0751337, MONDO:0010680.

Submissions (2):

Labcorp Genetics (formerly Invitae), Labcorp
Classification: Uncertain significance for X-linked Emery-Dreifuss muscular dystrophy. Last evaluated: 2023-10-28. Review status: criteria provided, single submitter. Criteria: Invitae Variant Classification Sherloc (09022015). Collection method: clinical testing. Allele origin: germline.
Comment: This sequence change falls in intron 1 of the EMD gene. It does not directly change the encoded amino acid sequence of the EMD protein. It affects a nucleotide within the consensus splice site. This variant is not present in population databases (gnomAD no frequency). This variant has not been reported in the literature in individuals affected with EMD-related conditions. ClinVar contains an entry for this variant (Variation ID: 283289). Variants that disrupt the consensus splice site are a relatively common cause of aberrant splicing (PMID: 17576681, 9536098). Algorithms developed to predict the effect of sequence changes on RNA splicing suggest that this variant is not likely to affect RNA splicing. In summary, the available evidence is currently insufficient to determine the role of this variant in disease. Therefore, it has been classified as a Variant of Uncertain Significance.

Eurofins Ntd Llc (ga)
Classification: Uncertain significance. Last evaluated: 2015-09-10. Review status: criteria provided, single submitter. Criteria: EGL Classification Definitions 2015. Collection method: clinical testing. Allele origin: germline. Observed: 1 variant allele, 1 heterozygote.

Literature cited by the submitters: PubMed 17576681 (cited by Labcorp Genetics (formerly Invitae), Labcorp); PubMed 9536098 (cited by Labcorp Genetics (formerly Invitae), Labcorp).